The following is an entry in ClinVar:

NM_004360.3:c.691_697delTTCTCTC

Gene: CDH1 (cadherin 1; plus strand).
Variant type: Deletion.
Identifiers: ClinVar variation 3488642 (VCV003488642.1).

ClinVar aggregate classification (germline): Pathogenic (1 of 4 stars; one submission).

Conditions:
Hereditary cancer-predisposing syndrome. Also called: Tumor predisposition; Neoplastic Syndromes, Hereditary; Hereditary Cancer Syndrome; Hereditary neoplastic syndrome. Identifiers: Orphanet 140162, MedGen C0027672, MeSH D009386, MONDO:0015356.

Submission:

Ambry Genetics
Classification: Pathogenic for Hereditary cancer-predisposing syndrome. Last evaluated: 2024-08-14. Review status: criteria provided, single submitter. Criteria: Ambry Variant Classification Scheme 2023. Collection method: clinical testing. Allele origin: germline.
Comment: The c.691_697delTTCTCTC pathogenic mutation, located in coding exon 6 of the CDH1 gene, results from a deletion of 7 nucleotides at nucleotide positions 691 to 697, causing a translational frameshift with a predicted alternate stop codon (p.F231Tfs*17). This variant is considered to be rare based on population cohorts in the Genome Aggregation Database (gnomAD). This alteration is expected to result in loss of function by premature protein truncation or nonsense-mediated mRNA decay. As such, this alteration is interpreted as a disease-causing mutation.